The following is an entry in ClinVar:

NM_005876.5(SPEG):c.6607C>T (p.Pro2203Ser)

Genes: ASIC4-AS1 (ASIC4 antisense RNA 1; minus strand), SPEG (striated muscle enriched protein kinase; plus strand). Cytogenetic location: 2q35.
Variant type: single nucleotide variant.
Coding change: c.6607C>T on transcript NM_005876.5 (MANE Select); coding-DNA position 6607, C replaced by T.
Protein change: p.Pro2203Ser; replaces proline 2203 with serine.
Molecular consequence: missense variant.
Genome position (GRCh38, 1-based): chr2:219,484,070, C>T. VCF-style: chr2-219484070-C-T. GRCh37 (hg19) VCF-style: chr2-220348792-C-T.
Other names: short protein forms P2203S.
Identifiers: ClinVar variation 2099431 (VCV002099431.4), dbSNP rs375706128, ClinGen allele CA350698535.

ClinVar aggregate classification (germline): Uncertain significance (1 of 4 stars; one submission).

Submission:

Labcorp Genetics (formerly Invitae), Labcorp
Classification: Uncertain significance. Last evaluated: 2022-02-19. Review status: criteria provided, single submitter. Criteria: Invitae Variant Classification Sherloc (09022015). Collection method: clinical testing. Allele origin: germline.
Comment: In summary, the available evidence is currently insufficient to determine the role of this variant in disease. Therefore, it has been classified as a Variant of Uncertain Significance. Algorithms developed to predict the effect of missense changes on protein structure and function output the following: SIFT: "Tolerated"; PolyPhen-2: "Benign"; Align-GVGD: "Class C0". The serine amino acid residue is found in multiple mammalian species, which suggests that this missense change does not adversely affect protein function. This variant has not been reported in the literature in individuals affected with SPEG-related conditions. This variant is not present in population databases (gnomAD no frequency). This sequence change replaces proline, which is neutral and non-polar, with serine, which is neutral and polar, at codon 2203 of the SPEG protein (p.Pro2203Ser).